The following is an entry in ClinVar:

ClinVar aggregate classification (germline): Likely benign. Review status: criteria provided, multiple submitters, no conflicts (2 of 4 stars). 4 submissions from 4 submitters: Likely benign (4). Last evaluated 2025-06-18.

Conditions:
SLC4A1-related disorder. Also called: SLC4A1-related condition; SLC4A1-related disorders.
Hereditary spherocytosis type 4. Also called: SLC4A1-Related Spherocytosis. Identifiers: Orphanet 822, MedGen C2675212, MONDO:0012981, OMIM 612653.
Malaria, susceptibility to. Identifiers: Orphanet 673, MedGen C1970028, MONDO:0021024, OMIM 611162.
Autosomal dominant distal renal tubular acidosis (DRTA1). Also called: RENAL TUBULAR ACIDOSIS, DISTAL, 1; RTA, CLASSIC TYPE; RTA, DISTAL TYPE, AUTOSOMAL DOMINANT; RTA, GRADIENT TYPE; Renal Tubular Acidosis, Type I. Identifiers: Orphanet 93608, MedGen CN280572, MONDO:0008368, OMIM 179800.
Renal tubular acidosis, distal, 4, with hemolytic anemia. Also called: Renal Tubular Acidosis, Distal, with Hemolytic Anemia. Identifiers: Orphanet 93610, MedGen C5436235, MONDO:0012700, OMIM 611590.
Cryohydrocytosis. Also called: Hereditary cryohydrocytosis with normal stomatin; CRYOHYDROCYTOSIS DUE TO BAND 3 HEMEL; CRYOHYDROCYTOSIS DUE TO BAND 3 HURSTPIERPOINT; CRYOHYDROCYTOSIS DUE TO BAND 3 BLACKBURN; STOMATOCYTOSIS, COLD-SENSITIVE. Identifiers: Orphanet 398088, MedGen C1861453, MONDO:0008494, OMIM 185020.
Southeast Asian ovalocytosis. Also called: Elliptocytosis 4; HE, STOMATOCYTIC; Stomatocytic elliptocytosis, hereditary; Ovalocytosis, Malaysian-Melanesian-Filipino type. Identifiers: Orphanet 98868, MedGen C1862322, MONDO:0008165, OMIM 166900.
BLOOD GROUP--SWANN SYSTEM (SW). Also called: SWANN BLOOD GROUP. Identifiers: MedGen C1832169, OMIM 601550.
BLOOD GROUP, WALDNER (WD). Also called: WALDNER BLOOD GROUP ANTIGEN. Identifiers: MedGen C1862191, OMIM 112010.
BLOOD GROUP--FROESE (FR). Also called: FROESE BLOOD GROUP ANTIGEN. Identifiers: MedGen C1832168, OMIM 601551.
BLOOD GROUP--WRIGHT ANTIGEN (WR). Identifiers: MedGen C1862190, OMIM 112050.
BLOOD GROUP--DIEGO SYSTEM (DI). Identifiers: MedGen C1292286, OMIM 110500.

Allele frequency attached by ClinVar (database versions not stated): gnomAD exomes 0.00006 and 0.00014; ExAC 0.00013; ESP Exome Variant Server 0.00031; gnomAD 0.00032 and 0.00035; TOPMed 0.00036.
gnomAD v4.1: 143 of 1,613,968 alleles (0.0089%); highest among the groups gnomAD compares: African/African-American, 0.11%; no homozygotes.

Submissions (4):

PreventionGenetics, part of Exact Sciences
Classification: Likely benign for SLC4A1-related condition. Last evaluated: 2025-06-18. Review status: criteria provided, single submitter. Criteria: ACMG Guidelines, 2015. Collection method: clinical testing. Allele origin: germline.
Comment: This variant is classified as likely benign based on ACMG/AMP sequence variant interpretation guidelines (Richards et al. 2015 PMID: 25741868, with internal and published modifications).

Labcorp Genetics (formerly Invitae), Labcorp
Classification: Likely benign. Last evaluated: 2025-06-13. Review status: criteria provided, single submitter. Criteria: Invitae Variant Classification Sherloc (09022015). Collection method: clinical testing. Allele origin: germline.

ARUP Laboratories, Molecular Genetics and Genomics, ARUP Laboratories
Classification: Likely benign. Last evaluated: 2024-09-10. Review status: criteria provided, single submitter. Criteria: ARUP Molecular Germline Variant Investigation Process 2024. Collection method: clinical testing. Allele origin: germline.

Fulgent Genetics
Classification: Likely benign for BLOOD GROUP--DIEGO SYSTEM; BLOOD GROUP, WALDNER; BLOOD GROUP--WRIGHT ANTIGEN; Southeast Asian ovalocytosis; Autosomal dominant distal renal tubular acidosis; Cryohydrocytosis; BLOOD GROUP--SWANN SYSTEM; BLOOD GROUP--FROESE; Malaria, susceptibility to; Renal tubular acidosis, distal, 4, with hemolytic anemia; Hereditary spherocytosis type 4. Last evaluated: 2021-08-04. Review status: criteria provided, single submitter. Criteria: ACMG Guidelines, 2015. Collection method: clinical testing. Allele origin: unknown.

NM_000342.4(SLC4A1):c.1272C>T (p.Gly424=)

Gene: SLC4A1 (solute carrier family 4 member 1 (Diego blood group); minus strand). Cytogenetic location: 17q21.31.
Variant type: single nucleotide variant.
Coding change: c.1272C>T on transcript NM_000342.4 (MANE Select); coding-DNA position 1272, C replaced by T.
Protein change: p.Gly424=; no amino-acid change (glycine 424 retained).
Molecular consequence: synonymous variant.
Genome position (GRCh38, 1-based): chr17:44,257,996, G>A on the plus strand (C>T on the coding strand, the complement: SLC4A1 is on the minus strand). VCF-style: chr17-44257996-G-A. GRCh37 (hg19) VCF-style: chr17-42335364-G-A.
Other names: c.1272C>T (NM_000342.3).
Identifiers: ClinVar variation 1084799 (VCV001084799.12), dbSNP rs148115666, ClinGen allele CA8600335.